The following is an entry in ClinVar:

NM_001122764.3(PPOX):c.1092_1093del (p.Arg364fs)

Gene: PPOX (protoporphyrinogen oxidase; plus strand). Cytogenetic location: 1q23.3.
Variant type: Microsatellite.
Coding change: c.1092_1093del on transcript NM_001122764.3 (MANE Select); coding-DNA positions 1092 to 1093, 2 bases deleted (AG; older notation c.1092_1093delAG).
Protein change: p.Arg364fs; shifts the reading frame from arginine 364.
Molecular consequence: frameshift variant. On other transcripts: intron variant (1).
Genome position (GRCh38, 1-based): chr1:161,170,513-161,170,514, AG deleted; deleting any 2 consecutive bases within chr1:161,170,511-161,170,514 gives the same sequence; the c. name uses the placement nearest the transcript's 3' end. VCF-style (leftmost placement, unchanged base first): chr1-161170510-CAG-C. GRCh37 (hg19) VCF-style: chr1-161140300-CAG-C.
Other names: c.1092_1093del, p.Arg364fs (NM_000309.5, NM_001365398.1); c.993_994del, p.Arg331fs (NM_001350128.2); c.684_685del, p.Arg228fs (NM_001350129.2, NM_001365400.1); c.606_607del, p.Arg202fs (NM_001350130.2, NM_001350131.2, NM_001365401.1); c.988-107_988-106del (NM_001365399.1); short protein forms R331fs, R364fs, R202fs, R228fs.
Identifiers: ClinVar variation 643192 (VCV000643192.8), dbSNP rs1571406458, ClinGen allele CA915943612.

ClinVar aggregate classification (germline): Pathogenic (1 of 4 stars; one submission).

Submission:

Labcorp Genetics (formerly Invitae), Labcorp
Classification: Pathogenic. Last evaluated: 2025-03-27. Review status: criteria provided, single submitter. Criteria: Invitae Variant Classification Sherloc (09022015). Collection method: clinical testing. Allele origin: germline.
Comment: This sequence change creates a premature translational stop signal (p.Arg364Serfs*16) in the PPOX gene. It is expected to result in an absent or disrupted protein product. Loss-of-function variants in PPOX are known to be pathogenic (PMID: 10486317). This variant is not present in population databases (gnomAD no frequency). This premature translational stop signal has been observed in individual(s) with variegate porphyria (PMID: 10486317). This variant is also known as c.1090_1091delAG. For these reasons, this variant has been classified as Pathogenic.

Literature cited by the submitters: PubMed 10486317.